The following is an entry in ClinVar:

ClinVar aggregate classification (germline): Conflicting classifications of pathogenicity. Review status: criteria provided, conflicting classifications (1 of 4 stars). 3 submissions from 3 submitters: Uncertain significance (2); Likely benign (1). Last evaluated 2024-09-20.

Conditions:
Macrocephaly, dysmorphic facies, and psychomotor retardation (MDFPMR). Identifiers: Orphanet 457359, MedGen C4310766, MONDO:0014863, OMIM 617011.

Allele frequency attached by ClinVar (database versions not stated): gnomAD exomes below 0.00001.

Submissions (3):

3billion
Classification: Likely benign for Macrocephaly, dysmorphic facies, and psychomotor retardation. Last evaluated: 2024-09-20. Review status: criteria provided, single submitter. Criteria: ACMG Guidelines, 2015. Collection method: clinical testing. Allele origin: germline. Affected: no.
Comment: The homozygous variant was found in patients diagnosed with another variant in a different gene, with no symptoms related to the gene containing the homozygous variant.

Revvity Omics, Revvity
Classification: Uncertain significance for Macrocephaly, dysmorphic facies, and psychomotor retardation. Last evaluated: 2021-02-09. Review status: criteria provided, single submitter. Criteria: ACMG Guidelines, 2015. Collection method: clinical testing. Allele origin: germline.

CeGaT Center for Human Genetics Tuebingen
Classification: Uncertain significance. Last evaluated: 2019-07-01. Review status: criteria provided, single submitter. Criteria: CeGaT Center For Human Genetics Tuebingen Variant Classification Criteria Version 2. Collection method: clinical testing. Allele origin: germline. Affected: yes. Observed: 1 variant allele.

NM_003922.4(HERC1):c.11407G>A (p.Val3803Ile)

Gene: HERC1 (HECT and RLD domain containing E3 ubiquitin protein ligase family member 1; minus strand). Cytogenetic location: 15q22.31.
Variant type: single nucleotide variant.
Coding change: c.11407G>A on transcript NM_003922.4 (MANE Select); coding-DNA position 11407, G replaced by A.
Protein change: p.Val3803Ile; replaces valine 3803 with isoleucine.
Molecular consequence: missense variant.
Genome position (GRCh38, 1-based): chr15:63,642,983, C>T on the plus strand (G>A on the coding strand, the complement: HERC1 is on the minus strand). VCF-style: chr15-63642983-C-T. GRCh37 (hg19) VCF-style: chr15-63935182-C-T.
Other names: short protein forms V3803I.
Identifiers: ClinVar variation 871070 (VCV000871070.44), dbSNP rs1025829736, ClinGen allele CA272103593.
Genomic context (GRCh38, chr15:63,642,983, plus strand): 5'-TACACCCTATCATTTGATATAACTACAATATTACCTTTGATCTATTTGAGCAAGCAGCTA[C>T]TCCAACTTCTGGAATCCATACTGTGGTCTGAATAGCTCCAGAGCCTATCACAACAGTTTG-3'
Protein context (NP_003913.3, residues 3793-3813): QTTVWIPEVG[Val3803Ile]AACSNRSKDV